The following is an entry in ClinVar:

NM_015102.5(NPHP4):c.2304+5C>T

Gene: NPHP4 (nephrocystin 4; minus strand). Cytogenetic location: 1p36.31.
Variant type: single nucleotide variant.
Coding change: c.2304+5C>T on transcript NM_015102.5 (MANE Select); 5 bases into the intron after coding-DNA position 2304, C replaced by T.
Molecular consequence: intron variant.
Genome position (GRCh38, 1-based): chr1:5,890,863, G>A on the plus strand (C>T on the coding strand, the complement: NPHP4 is on the minus strand). VCF-style: chr1-5890863-G-A. GRCh37 (hg19) VCF-style: chr1-5950923-G-A.
Other names: c.2304+5C>T (NM_015102.4); c.768+5C>T (NM_001291594.2); c.765+5C>T (NM_001291593.2).
Identifiers: ClinVar variation 875115 (VCV000875115.11), dbSNP rs367651042, ClinGen allele CA554210.
Genomic context (GRCh38, chr1:5,890,863, plus strand): 5'-GAAGCGTGACTCGTCCCATGAGGGACGCAGCACCCACTGTGCCTGTCCTTCCAGAGAGCC[G>A]CTACCTTCATCTGGACGGCAGCAGATCCGATGAGCAGCAGGGAGTCTCCGTCCCAGACGT-3'

ClinVar aggregate classification (germline): Uncertain significance. Review status: criteria provided, multiple submitters, no conflicts (2 of 4 stars). 5 submissions from 4 submitters: Uncertain significance (4). 1 of the submissions does not count toward it. Last evaluated 2025-11-18.

Conditions:
Nephronophthisis 4 (NPHP4). Also called: NEPHRONOPHTHISIS 4, JUVENILE. Identifiers: Orphanet 655, MedGen C1847013, MONDO:0011752, OMIM 606966.
Senior-Loken syndrome 4 (SLSN4). Identifiers: Orphanet 3156, MedGen C1846979, MONDO:0011756, OMIM 606996.
Nephronophthisis. Also called: Juvenile Nephronophthisis. Identifiers: Orphanet 655, MedGen C0687120, MONDO:0019005, HP:0000090.
NPHP4-related disorder. Also called: NPHP4-related disorders; NPHP4-related condition. Identifiers: MedGen CN239384.

Allele frequency attached by ClinVar (database versions not stated): gnomAD 0.00001; TOPMed 0.00004; ESP Exome Variant Server 0.00008.
gnomAD v4.1: 64 of 1,606,126 alleles (0.004%); highest among the groups gnomAD compares: Non-Finnish European, 0.0048%; no homozygotes.

Submissions (5):

Labcorp Genetics (formerly Invitae), Labcorp
Classification: Uncertain significance for Nephronophthisis. Last evaluated: 2025-11-18. Review status: criteria provided, single submitter. Criteria: Invitae Variant Classification Sherloc (09022015). Collection method: clinical testing. Allele origin: germline.
Comment: This sequence change falls in intron 17 of the NPHP4 gene. It does not directly change the encoded amino acid sequence of the NPHP4 protein. It affects a nucleotide within the consensus splice site. The frequency data for this variant in the population databases is considered unreliable, as metrics indicate poor data quality at this position in the gnomAD database. This variant has not been reported in the literature in individuals affected with NPHP4-related conditions. ClinVar contains an entry for this variant (Variation ID: 875115). Variants that disrupt the consensus splice site are a relatively common cause of aberrant splicing (PMID: 17576681, 9536098). Algorithms developed to predict the effect of sequence changes on RNA splicing suggest that this variant is not likely to affect RNA splicing. In summary, the available evidence is currently insufficient to determine the role of this variant in disease. Therefore, it has been classified as a Variant of Uncertain Significance.

Fulgent Genetics
Classification: Uncertain significance for Nephronophthisis 4; Senior-Loken syndrome 4. Last evaluated: 2024-06-19. Review status: criteria provided, single submitter. Criteria: ACMG Guidelines, 2015. Collection method: clinical testing. Allele origin: germline.

Illumina Laboratory Services, Illumina
Classification: Uncertain significance for Senior-Loken syndrome 4. Last evaluated: 2018-01-12. Review status: criteria provided, single submitter. Criteria: ICSL Variant Classification Criteria 13 December 2019. Collection method: clinical testing. Allele origin: germline.

Illumina Laboratory Services, Illumina
Classification: Uncertain significance for Nephronophthisis 4. Last evaluated: 2018-01-12. Review status: criteria provided, single submitter. Criteria: ICSL Variant Classification Criteria 13 December 2019. Collection method: clinical testing. Allele origin: germline.

PreventionGenetics, part of Exact Sciences
Classification: Likely benign for NPHP4-related condition. Last evaluated: 2024-08-05. Review status: no assertion criteria provided. Collection method: clinical testing. Allele origin: germline. Not counted in ClinVar's aggregate classification.
Comment: This variant is classified as likely benign based on ACMG/AMP sequence variant interpretation guidelines (Richards et al. 2015 PMID: 25741868, with internal and published modifications).

Literature cited by the submitters: PubMed 17576681 (cited by Labcorp Genetics (formerly Invitae), Labcorp); PubMed 9536098 (cited by Labcorp Genetics (formerly Invitae), Labcorp).